The following is an entry in ClinVar:

ClinVar aggregate classification (germline): Uncertain significance. Review status: criteria provided, multiple submitters, no conflicts (2 of 4 stars). 2 submissions from 2 submitters: Uncertain significance (2). Last evaluated 2025-05-13.

Conditions:
Inborn genetic diseases. Identifiers: MedGen C0950123, MeSH D030342.
Congenital sideroblastic anemia-B-cell immunodeficiency-periodic fever-developmental delay syndrome. Also called: Sideroblastic anemia with B-cell immunodeficiency, periodic fevers, and developmental delay. Identifiers: Orphanet 369861, MedGen C4015172, MONDO:0014487, OMIM 616084.

Allele frequency attached by ClinVar (database versions not stated): ExAC 0.00002.
gnomAD v4.1: 7 of 1,614,200 alleles (0.00043%); highest among the groups gnomAD compares: Admixed American, 0.012%; no homozygotes.

Submissions (2):

Ambry Genetics
Classification: Uncertain significance for Inborn genetic diseases. Last evaluated: 2025-05-13. Review status: criteria provided, single submitter. Criteria: Ambry Variant Classification Scheme 2023. Collection method: clinical testing. Allele origin: germline.

Labcorp Genetics (formerly Invitae), Labcorp
Classification: Uncertain significance for Congenital sideroblastic anemia-B-cell immunodeficiency-periodic fever-developmental delay syndrome. Last evaluated: 2022-08-16. Review status: criteria provided, single submitter. Criteria: Invitae Variant Classification Sherloc (09022015). Collection method: clinical testing. Allele origin: germline.
Comment: This sequence change replaces aspartic acid, which is acidic and polar, with alanine, which is neutral and non-polar, at codon 132 of the TRNT1 protein (p.Asp132Ala). This variant is present in population databases (rs773948765, gnomAD 0.01%). This variant has not been reported in the literature in individuals affected with TRNT1-related conditions. ClinVar contains an entry for this variant (Variation ID: 1473082). Algorithms developed to predict the effect of missense changes on protein structure and function (SIFT, PolyPhen-2, Align-GVGD) all suggest that this variant is likely to be disruptive. In summary, the available evidence is currently insufficient to determine the role of this variant in disease. Therefore, it has been classified as a Variant of Uncertain Significance.

NM_182916.3(TRNT1):c.395A>C (p.Asp132Ala)

Gene: TRNT1 (tRNA nucleotidyl transferase 1; plus strand). Cytogenetic location: 3p26.2.
Variant type: single nucleotide variant.
Coding change: c.395A>C on transcript NM_182916.3 (MANE Select); coding-DNA position 395, A replaced by C.
Protein change: p.Asp132Ala; replaces aspartic acid 132 with alanine.
Molecular consequence: missense variant. On other transcripts: non-coding transcript variant (6).
Genome position (GRCh38, 1-based): chr3:3,140,562, A>C. VCF-style: chr3-3140562-A-C. GRCh37 (hg19) VCF-style: chr3-3182246-A-C.
Other names: c.395A>C, p.Asp132Ala (NM_001302946.2, NM_001367321.1, NM_001367322.1 and 1 more transcripts); c.395A>C (NM_182916.2); short protein forms D132A.
Identifiers: ClinVar variation 1473082 (VCV001473082.5), dbSNP rs773948765, ClinGen allele CA2228638.